The following is an entry in ClinVar:

NM_002335.4(LRP5):c.1833dup (p.Cys612fs)

Gene: LRP5 (LDL receptor related protein 5; plus strand). Cytogenetic location: 11q13.2.
Variant type: Duplication.
Coding change: c.1833dup on transcript NM_002335.4 (MANE Select); coding-DNA position 1833, one base duplicated (G; older notation c.1833dupG).
Protein change: p.Cys612fs; shifts the reading frame from cysteine 612.
Molecular consequence: frameshift variant.
Genome position (GRCh38, 1-based): chr11:68,406,555, G duplicated; the last of 6 consecutive G bases (chr11:68,406,550-68,406,555); duplicating any one gives the same sequence. VCF-style (leftmost placement, unchanged base first): chr11-68406549-C-CG. GRCh37 (hg19) VCF-style: chr11-68174017-C-CG.
Other names: c.90dup, p.Cys31fs (NM_001291902.2); short protein forms C31fs, C612fs.
Identifiers: ClinVar variation 2137180 (VCV002137180.6), dbSNP rs2496717956, ClinGen allele CA2574900851.

ClinVar aggregate classification (germline): Pathogenic. Review status: criteria provided, multiple submitters, no conflicts (2 of 4 stars). 2 submissions from 2 submitters: Pathogenic (2). Last evaluated 2024-06-25.

Conditions:
Exudative vitreoretinopathy 4 (EVR4). Identifiers: Orphanet 891, MedGen C1866176, MONDO:0011151, OMIM 601813.

Submissions (2):

Labcorp Genetics (formerly Invitae), Labcorp
Classification: Pathogenic. Last evaluated: 2024-06-25. Review status: criteria provided, single submitter. Criteria: Invitae Variant Classification Sherloc (09022015). Collection method: clinical testing. Allele origin: germline.
Comment: This sequence change creates a premature translational stop signal (p.Cys612Valfs*25) in the LRP5 gene. It is expected to result in an absent or disrupted protein product. Loss-of-function variants in LRP5 are known to be pathogenic (PMID: 11719191, 16252235, 25711638). This variant is not present in population databases (gnomAD no frequency). This premature translational stop signal has been observed in individual(s) with exudative vitreoretinopathy (PMID: 26244290, 28145787). ClinVar contains an entry for this variant (Variation ID: 2137180). For these reasons, this variant has been classified as Pathogenic.

Juno Genomics, Hangzhou Juno Genomics, Inc
Classification: Pathogenic for Exudative vitreoretinopathy 4. Review status: criteria provided, single submitter. Criteria: ACMG Guidelines, 2015. Collection method: clinical testing. Allele origin: germline.
Comment: Absent from controls (or at extremely low frequency if recessive) in Genome Aggregation Database.;Null variant in a gene where loss of function (LOF) is a known mechanism of disease.;Patient's phenotype or family history is highly specific for a disease with a single genetic etiology.

Literature cited by the submitters: PubMed 11719191 (cited by Labcorp Genetics (formerly Invitae), Labcorp); PubMed 16252235 (cited by Labcorp Genetics (formerly Invitae), Labcorp); PubMed 25711638 (cited by Labcorp Genetics (formerly Invitae), Labcorp); PubMed 26244290 (cited by Labcorp Genetics (formerly Invitae), Labcorp); PubMed 28145787 (cited by Labcorp Genetics (formerly Invitae), Labcorp).